The following is an entry in ClinVar:

NM_152327.5(AK7):c.1252G>A (p.Val418Ile)

Gene: AK7 (adenylate kinase 7; plus strand). Cytogenetic location: 14q32.2.
Variant type: single nucleotide variant.
Coding change: c.1252G>A on transcript NM_152327.5 (MANE Select); coding-DNA position 1252, G replaced by A.
Protein change: p.Val418Ile; replaces valine 418 with isoleucine.
Molecular consequence: missense variant.
Genome position (GRCh38, 1-based): chr14:96,458,107, G>A. VCF-style: chr14-96458107-G-A. GRCh37 (hg19) VCF-style: chr14-96924444-G-A.
Other names: c.1252G>A, p.Val418Ile (NM_001350888.2, NM_001350890.2, NM_001350892.2); c.1174G>A, p.Val392Ile (NM_001350891.2); short protein forms V392I, V418I.
Identifiers: ClinVar variation 2851920 (VCV002851920.3), dbSNP rs2504553507, ClinGen allele CA390916681.

ClinVar aggregate classification (germline): Uncertain significance (1 of 4 stars; one submission).

gnomAD v4.1: 1 of 1,613,734 alleles (0.000062%); highest among the groups gnomAD compares: Admixed American, 0.0017%; no homozygotes.

Submission:

Labcorp Genetics (formerly Invitae), Labcorp
Classification: Uncertain significance. Last evaluated: 2023-04-03. Review status: criteria provided, single submitter. Criteria: Invitae Variant Classification Sherloc (09022015). Collection method: clinical testing. Allele origin: germline.
Comment: This variant has not been reported in the literature in individuals affected with AK7-related conditions. This variant is not present in population databases (gnomAD no frequency). This sequence change replaces valine, which is neutral and non-polar, with isoleucine, which is neutral and non-polar, at codon 418 of the AK7 protein (p.Val418Ile). Advanced modeling of protein sequence and biophysical properties (such as structural, functional, and spatial information, amino acid conservation, physicochemical variation, residue mobility, and thermodynamic stability) performed at Invitae indicates that this missense variant is not expected to disrupt AK7 protein function. In summary, the available evidence is currently insufficient to determine the role of this variant in disease. Therefore, it has been classified as a Variant of Uncertain Significance.